The following is an entry in ClinVar:

ClinVar aggregate classification (germline): Likely benign (0 of 4 stars; one submission).

Conditions:
HLTF-related disorder. Also called: HLTF-related condition.

Allele frequency attached by ClinVar (database versions not stated): gnomAD exomes 0.00043; ExAC 0.00059; gnomAD 0.00095; 1000 Genomes Project 0.00100; ESP Exome Variant Server 0.00123; TOPMed 0.00127; 1000 Genomes Project 30x 0.00141.
gnomAD v4.1: 790 of 1,604,932 alleles (0.049%); highest among the groups gnomAD compares: Admixed American, 0.26%; 3 homozygotes.

Submission:

PreventionGenetics, part of Exact Sciences
Classification: Likely benign for HLTF-related condition. Last evaluated: 2021-02-23. Review status: no assertion criteria provided. Collection method: clinical testing. Allele origin: germline.
Comment: This variant is classified as likely benign based on ACMG/AMP sequence variant interpretation guidelines (Richards et al. 2015 PMID: 25741868, with internal and published modifications).

NM_003071.4(HLTF):c.2797-7T>C

Gene: HLTF (helicase like transcription factor; minus strand). Cytogenetic location: 3q24.
Variant type: single nucleotide variant.
Coding change: c.2797-7T>C on transcript NM_003071.4 (MANE Select); 7 bases into the intron before coding-DNA position 2797, T replaced by C.
Molecular consequence: intron variant.
Genome position (GRCh38, 1-based): chr3:149,035,005, A>G on the plus strand (T>C on the coding strand, the complement: HLTF is on the minus strand). VCF-style: chr3-149035005-A-G. GRCh37 (hg19) VCF-style: chr3-148752792-A-G.
Other names: c.2797-7T>C (NM_001318935.2, NM_139048.3); c.2794-7T>C (NM_001318934.2).
Identifiers: ClinVar variation 3052330 (VCV003052330.2), dbSNP rs187819846, ClinGen allele CA2658822.